The following is an entry in ClinVar:

ClinVar aggregate classification (germline): Uncertain significance (1 of 4 stars; one submission).

Allele frequency attached by ClinVar (database versions not stated): gnomAD exomes below 0.00001 and 0.00001; ExAC 0.00001; ESP Exome Variant Server 0.00008.
gnomAD v4.1: 21 of 1,613,862 alleles (0.0013%); highest among the groups gnomAD compares: Non-Finnish European, 0.0016%; no homozygotes.

Submission:

Labcorp Genetics (formerly Invitae), Labcorp
Classification: Uncertain significance. Last evaluated: 2025-10-15. Review status: criteria provided, single submitter. Criteria: Invitae Variant Classification Sherloc (09022015). Collection method: clinical testing. Allele origin: germline.
Comment: This sequence change creates a premature translational stop signal (p.Leu744*) in the CSF2RB gene. While this is not anticipated to result in nonsense mediated decay, it is expected to disrupt the last 154 amino acid(s) of the CSF2RB protein. This variant is present in population databases (rs148643829, gnomAD 0.004%). This variant has not been reported in the literature in individuals affected with CSF2RB-related conditions. ClinVar contains an entry for this variant (Variation ID: 1497113). In summary, the available evidence is currently insufficient to determine the role of this variant in disease. Therefore, it has been classified as a Variant of Uncertain Significance.

NM_000395.3(CSF2RB):c.2231T>G (p.Leu744Ter)

Gene: CSF2RB (colony stimulating factor 2 receptor subunit beta; plus strand). Cytogenetic location: 22q12.3.
Variant type: single nucleotide variant.
Coding change: c.2231T>G on transcript NM_000395.3 (MANE Select); coding-DNA position 2231, T replaced by G.
Protein change: p.Leu744Ter; replaces leucine 744 with a stop codon.
Molecular consequence: nonsense.
Genome position (GRCh38, 1-based): chr22:36,938,039, T>G. VCF-style: chr22-36938039-T-G. GRCh37 (hg19) VCF-style: chr22-37334081-T-G.
Other names: short protein forms L744*.
Identifiers: ClinVar variation 1497113 (VCV001497113.6), dbSNP rs148643829, ClinGen allele CA10214067.
Genomic context (GRCh38, chr22:36,938,039, plus strand): 5'-GGGCCTCGTCTGTCTCCCTAGTTCCCTCTCTGGGCCTCCCCTCAGACCAGACCCCCAGCT[T>G]ATGTCCTGGGCTGGCCAGTGGACCCCCTGGAGCCCCAGGCCCTGTGAAGTCAGGGTTTGA-3'